The following is an entry in ClinVar:

NM_138386.3(NAF1):c.167C>T (p.Thr56Ile)

Gene: NAF1 (nuclear assembly factor 1 ribonucleoprotein; minus strand). Cytogenetic location: 4q32.2.
Variant type: single nucleotide variant.
Coding change: c.167C>T on transcript NM_138386.3 (MANE Select); coding-DNA position 167, C replaced by T.
Protein change: p.Thr56Ile; replaces threonine 56 with isoleucine.
Molecular consequence: missense variant.
Genome position (GRCh38, 1-based): chr4:163,166,561, G>A on the plus strand (C>T on the coding strand, the complement: NAF1 is on the minus strand). VCF-style: chr4-163166561-G-A. GRCh37 (hg19) VCF-style: chr4-164087713-G-A.
Other names: c.167C>T, p.Thr56Ile (NM_001128931.2); short protein forms T56I.
Identifiers: ClinVar variation 2099028 (VCV002099028.4), dbSNP rs773960583, ClinGen allele CA3126465.
Genomic context (GRCh38, chr4:163,166,561, plus strand): 5'-GCCGCGACGGCGTTCAGAACGGGCTGCAGAGGCTGCTCCCCGGCAGGCTTAACCTCCACG[G>A]TCTGCCCAGCGTCCGGGGACCCCTCAAACGACTGTAGCGGCGGCTGTGTCCCTGGCACAG-3'
Protein context (NP_612395.2, residues 46-66): SFEGSPDAGQ[Thr56Ile]VEVKPAGEQP

ClinVar aggregate classification (germline): Uncertain significance (1 of 4 stars; one submission).

Allele frequency attached by ClinVar (database versions not stated): gnomAD exomes below 0.00001; ExAC 0.00001.
gnomAD v4.1: 1 of 1,603,590 alleles (0.000062%); highest among the groups gnomAD compares: South Asian, 0.0011%; no homozygotes.

Submission:

Labcorp Genetics (formerly Invitae), Labcorp
Classification: Uncertain significance. Last evaluated: 2025-01-27. Review status: criteria provided, single submitter. Criteria: Invitae Variant Classification Sherloc (09022015). Collection method: clinical testing. Allele origin: germline.
Comment: This sequence change replaces threonine, which is neutral and polar, with isoleucine, which is neutral and non-polar, at codon 56 of the NAF1 protein (p.Thr56Ile). The frequency data for this variant in the population databases is considered unreliable, as metrics indicate poor data quality at this position in the gnomAD database. This variant has not been reported in the literature in individuals affected with NAF1-related conditions. ClinVar contains an entry for this variant (Variation ID: 2099028). An algorithm developed to predict the effect of missense changes on protein structure and function (PolyPhen-2) suggests that this variant is likely to be tolerated. In summary, the available evidence is currently insufficient to determine the role of this variant in disease. Therefore, it has been classified as a Variant of Uncertain Significance.